The following is an entry in ClinVar:

ClinVar aggregate classification (germline): Likely benign (1 of 4 stars; one submission).

gnomAD v4.1: 1 of 1,508,098 alleles (0.000066%); highest among the groups gnomAD compares: South Asian, 0.0012%; no homozygotes.

Submission:

CeGaT Center for Human Genetics Tuebingen
Classification: Likely benign. Last evaluated: 2022-06-01. Review status: criteria provided, single submitter. Criteria: CeGaT Center For Human Genetics Tuebingen Variant Classification Criteria Version 2. Collection method: clinical testing. Allele origin: germline. Affected: yes. Observed: 1 variant allele.
Comment: SPG7: PM2:Supporting, BP4, BP7

NM_003119.4(SPG7):c.48C>T (p.Gly16=)

Genes: SPG7 (SPG7 matrix AAA peptidase subunit, paraplegin; plus strand), LOC130059818 (ATAC-STARR-seq lymphoblastoid silent region 7911; plus strand). Cytogenetic location: 16q24.3.
Variant type: single nucleotide variant.
Coding change: c.48C>T on transcript NM_003119.4 (MANE Select); coding-DNA position 48, C replaced by T.
Protein change: p.Gly16=; no amino-acid change (glycine 16 retained).
Molecular consequence: synonymous variant.
Genome position (GRCh38, 1-based): chr16:89,508,465, C>T. VCF-style: chr16-89508465-C-T. GRCh37 (hg19) VCF-style: chr16-89574873-C-T.
Other names: c.48C>T, p.Gly16= (NM_001363850.1, NM_199367.3).
Identifiers: ClinVar variation 2647105 (VCV002647105.24), dbSNP rs2543661320, ClinGen allele CA497174886.
Genomic context (GRCh38, chr16:89,508,465, plus strand): 5'-CTTTCAGGCCAACATGGCCGTGCTGCTGCTGCTGCTCCGTGCCCTCCGCCGGGGTCCAGG[C>T]CCGGGTCCTCGGCCGCTGTGGGGCCCAGGCCCGGCCTGGAGTCCAGGGTTCCCCGCCAGG-3'
Protein context (NP_003110.1, residues 6-26): LLLRALRRGP[Gly16=]PGPRPLWGPG